The following is an entry in ClinVar:

ClinVar aggregate classification (germline): Likely pathogenic (1 of 4 stars; one submission).

Conditions:
Spondyloepimetaphyseal dysplasia with joint laxity, type 3. Also called: EXOC6B-Related Spondyloepimetaphyseal Dysplasia with Joint Laxity. Identifiers: Orphanet 642085, MedGen C5193073, MONDO:0032724, OMIM 618395.

Submission:

Neuberg Centre For Genomic Medicine, NCGM
Classification: Likely pathogenic for Spondyloepimetaphyseal dysplasia with joint laxity, type 3. Review status: criteria provided, single submitter. Criteria: ACMG Guidelines, 2015. Collection method: clinical testing. Allele origin: germline. Inheritance: Autosomal recessive inheritance. Affected: yes.
Comment: The observed frame shift variant c.933del (p.Phe311LeufsTer27) in EXOC6B gene has not been reported previously as a pathogenic variant nor as a benign variant, to our knowledge. The p.Phe311LeufsTer27 variant is absent in gnomAD Exomes. This variant has not been submitted to the ClinVar database. This variant causes a frameshift starting with codon Phenylalanine 311, changes this amino acid to Leucine residue, and creates a premature Stop codon at position 27 of the new reading frame, denoted p.Phe311LeufsTer27. This variant is predicted to cause loss of normal protein function through protein truncation. Loss of function variants have been previously reported to be disease causing. For these reasons, this variant has been classified as Likely Pathogenic.

NM_015189.3(EXOC6B):c.933del (p.Phe311fs)

Gene: EXOC6B (exocyst complex component 6B; minus strand). Cytogenetic location: 2p13.2.
Variant type: Deletion.
Coding change: c.933del on transcript NM_015189.3 (MANE Select); coding-DNA position 933, one base deleted (T; older notation c.933delT).
Protein change: p.Phe311fs; shifts the reading frame from phenylalanine 311.
Molecular consequence: frameshift variant. On other transcripts: non-coding transcript variant (2).
Genome position (GRCh38, 1-based): chr2:72,515,109, A deleted on the plus strand (T on the coding strand, the reverse complement: EXOC6B is on the minus strand); the first of 3 consecutive A bases (chr2:72,515,109-72,515,111); deleting any one gives the same sequence. VCF-style (leftmost placement, unchanged base first): chr2-72515108-CA-C. GRCh37 (hg19) VCF-style: chr2-72742237-CA-C.
Other names: c.933del, p.Phe311fs (NM_001321729.2, NM_001321730.2, NM_001321731.2 and 1 more transcripts); c.594del, p.Phe198fs (NM_001321734.2); short protein forms F198fs, F311fs.
Identifiers: ClinVar variation 3250437 (VCV003250437.1), dbSNP rs2467829039.